The following is an entry in ClinVar:

ClinVar aggregate classification (germline): Pathogenic (1 of 4 stars; one submission).

Conditions:
Retinitis pigmentosa 20 (RP20). Identifiers: Orphanet 791, MedGen C3151086, MONDO:0013425, OMIM 613794.
Leber congenital amaurosis 2 (LCA2). Also called: AMAUROSIS CONGENITA OF LEBER II; Autosomal Recessive RPE65-Related Retinal Degeneration. Identifiers: Orphanet 65, MedGen C1859844, MONDO:0008765, OMIM 204100. Disease mechanism: loss of function.

Submission:

Labcorp Genetics (formerly Invitae), Labcorp
Classification: Pathogenic for Leber congenital amaurosis 2; Retinitis pigmentosa 20. Last evaluated: 2019-12-24. Review status: criteria provided, single submitter. Criteria: Invitae Variant Classification Sherloc (09022015). Collection method: clinical testing. Allele origin: germline.
Comment: For these reasons, this variant has been classified as Pathogenic. Loss-of-function variants in RPE65 are known to be pathogenic (PMID: 9326941, 9501220, 18632300). This variant has not been reported in the literature in individuals with RPE65-related conditions. This variant is not present in population databases (ExAC no frequency). This sequence change creates a premature translational stop signal (p.Cys169*) in the RPE65 gene. It is expected to result in an absent or disrupted protein product.

Literature cited by the submitters: PubMed 9326941; PubMed 9501220; PubMed 18632300.

NM_000329.3(RPE65):c.507C>A (p.Cys169Ter)

Gene: RPE65 (retinoid isomerohydrolase RPE65; minus strand). Cytogenetic location: 1p31.3.
Variant type: single nucleotide variant.
Coding change: c.507C>A on transcript NM_000329.3 (MANE Select); coding-DNA position 507, C replaced by A.
Protein change: p.Cys169Ter; replaces cysteine 169 with a stop codon.
Molecular consequence: nonsense.
Genome position (GRCh38, 1-based): chr1:68,440,989, G>T on the plus strand (C>A on the coding strand, the complement: RPE65 is on the minus strand). VCF-style: chr1-68440989-G-T. GRCh37 (hg19) VCF-style: chr1-68906672-G-T.
Other names: short protein forms C169*.
Identifiers: ClinVar variation 838191 (VCV000838191.8), dbSNP rs1645898563, ClinGen allele CA340747211.